The following is an entry in ClinVar:

ClinVar aggregate classification (germline): Conflicting classifications of pathogenicity. Review status: criteria provided, conflicting classifications (1 of 4 stars). 2 submissions from 2 submitters: Uncertain significance (1); Likely benign (1). Last evaluated 2023-11-14.

Conditions:
Renal cell carcinoma. Identifiers: Orphanet 217071, MedGen C0007134, MeSH D002292, MONDO:0005086, HP:0005584.
Hereditary cancer-predisposing syndrome. Also called: Tumor predisposition; Hereditary Cancer Syndrome; Neoplastic Syndromes, Hereditary; Hereditary neoplastic syndrome. Identifiers: Orphanet 140162, MedGen C0027672, MeSH D009386, MONDO:0015356.

gnomAD v4.1: 7 of 1,613,676 alleles (0.00043%); highest among the groups gnomAD compares: Non-Finnish European, 0.00059%; no homozygotes.

Submissions (2):

Ambry Genetics
Classification: Likely benign for Hereditary cancer-predisposing syndrome. Last evaluated: 2023-11-14. Review status: criteria provided, single submitter. Criteria: Ambry Variant Classification Scheme 2023. Collection method: clinical testing. Allele origin: germline.

Labcorp Genetics (formerly Invitae), Labcorp
Classification: Uncertain significance for Renal cell carcinoma. Last evaluated: 2023-05-21. Review status: criteria provided, single submitter. Criteria: Invitae Variant Classification Sherloc (09022015). Collection method: clinical testing. Allele origin: germline.
Comment: This sequence change replaces aspartic acid, which is acidic and polar, with glutamic acid, which is acidic and polar, at codon 917 of the MET protein (p.Asp917Glu). This variant is not present in population databases (gnomAD no frequency). This variant has not been reported in the literature in individuals affected with MET-related conditions. ClinVar contains an entry for this variant (Variation ID: 1795569). Advanced modeling of protein sequence and biophysical properties (such as structural, functional, and spatial information, amino acid conservation, physicochemical variation, residue mobility, and thermodynamic stability) performed at Invitae indicates that this missense variant is not expected to disrupt MET protein function. In summary, the available evidence is currently insufficient to determine the role of this variant in disease. Therefore, it has been classified as a Variant of Uncertain Significance.

NM_000245.4(MET):c.2697C>G (p.Asp899Glu)

Gene: MET (MET proto-oncogene, receptor tyrosine kinase; plus strand). Cytogenetic location: 7q31.2.
Variant type: single nucleotide variant.
Coding change: c.2697C>G on transcript NM_000245.4 (MANE Select); coding-DNA position 2697, C replaced by G.
Protein change: p.Asp899Glu; replaces aspartic acid 899 with glutamic acid.
Molecular consequence: missense variant.
Genome position (GRCh38, 1-based): chr7:116,769,758, C>G. VCF-style: chr7-116769758-C-G. GRCh37 (hg19) VCF-style: chr7-116409812-C-G.
Other names: c.2751C>G, p.Asp917Glu (NM_001127500.3); c.2697C>G, p.Asp899Glu (NM_001324401.3); c.1407C>G, p.Asp469Glu (NM_001324402.2); short protein forms D469E, D917E, D899E.
Identifiers: ClinVar variation 1795569 (VCV001795569.7), dbSNP rs1584953336, ClinGen allele CA368985767.